The following is an entry in ClinVar:

ClinVar aggregate classification (germline): Likely benign (1 of 4 stars; one submission).

Allele frequency attached by ClinVar (database versions not stated): gnomAD exomes 0.00003; ExAC 0.00006; ESP Exome Variant Server 0.00008.
gnomAD v4.1: 57 of 1,613,854 alleles (0.0035%); highest among the groups gnomAD compares: Middle Eastern, 0.033%; no homozygotes.

Submission:

CeGaT Center for Human Genetics Tuebingen
Classification: Likely benign. Last evaluated: 2022-07-01. Review status: criteria provided, single submitter. Criteria: CeGaT Center For Human Genetics Tuebingen Variant Classification Criteria Version 2. Collection method: clinical testing. Allele origin: germline. Affected: yes. Observed: 1 variant allele.
Comment: ANKDD1A: BP4, BP7

NM_182703.6(ANKDD1A):c.915C>T (p.Ala305=)

Gene: ANKDD1A (ankyrin repeat and death domain containing 1A; plus strand). Cytogenetic location: 15q22.31.
Variant type: single nucleotide variant.
Coding change: c.915C>T on transcript NM_182703.6 (MANE Select); coding-DNA position 915, C replaced by T.
Protein change: p.Ala305=; no amino-acid change (alanine 305 retained).
Molecular consequence: synonymous variant.
Genome position (GRCh38, 1-based): chr15:64,942,514, C>T. VCF-style: chr15-64942514-C-T. GRCh37 (hg19) VCF-style: chr15-65234711-C-T.
Identifiers: ClinVar variation 2645447 (VCV002645447.24), dbSNP rs377389557, ClinGen allele CA7612574.